The following is an entry in ClinVar:

ClinVar aggregate classification (germline): Uncertain significance (1 of 4 stars; one submission).

gnomAD v4.1: 10 of 1,610,792 alleles (0.00062%); highest among the groups gnomAD compares: Admixed American, 0.0017%; no homozygotes.

Submission:

Labcorp Genetics (formerly Invitae), Labcorp
Classification: Uncertain significance. Last evaluated: 2022-11-15. Review status: criteria provided, single submitter. Criteria: Invitae Variant Classification Sherloc (09022015). Collection method: clinical testing. Allele origin: germline.
Comment: In summary, the available evidence is currently insufficient to determine the role of this variant in disease. Therefore, it has been classified as a Variant of Uncertain Significance. Algorithms developed to predict the effect of missense changes on protein structure and function (SIFT, PolyPhen-2, Align-GVGD) all suggest that this variant is likely to be tolerated. ClinVar contains an entry for this variant (Variation ID: 1497746). This variant has not been reported in the literature in individuals affected with ATR-related conditions. This variant is present in population databases (no rsID available, gnomAD 0.003%). This sequence change replaces lysine, which is basic and polar, with asparagine, which is neutral and polar, at codon 803 of the ATR protein (p.Lys803Asn).

NM_001184.4(ATR):c.2409A>T (p.Lys803Asn)

Gene: ATR (ATR checkpoint kinase; minus strand). Cytogenetic location: 3q23.
Variant type: single nucleotide variant.
Coding change: c.2409A>T on transcript NM_001184.4 (MANE Select); coding-DNA position 2409, A replaced by T.
Protein change: p.Lys803Asn; replaces lysine 803 with asparagine.
Molecular consequence: missense variant.
Genome position (GRCh38, 1-based): chr3:142,553,948, T>A on the plus strand (A>T on the coding strand, the complement: ATR is on the minus strand). VCF-style: chr3-142553948-T-A. GRCh37 (hg19) VCF-style: chr3-142272790-T-A.
Other names: c.2217A>T, p.Lys739Asn (NM_001354579.2); short protein forms K739N, K803N.
Identifiers: ClinVar variation 1497746 (VCV001497746.8), dbSNP rs766396565, ClinGen allele CA354816930.